The following is an entry in ClinVar:

ClinVar aggregate classification (germline): Likely benign. Review status: criteria provided, multiple submitters, no conflicts (2 of 4 stars). 3 submissions from 3 submitters: Likely benign (2). 1 of the submissions does not count toward it. Last evaluated 2025-12-13.

Conditions:
GFPT1-related disorder. Also called: GFPT1-related condition.
Congenital myasthenic syndrome 12 (CMS12). Also called: Myasthenia, congenital, 12, with tubular aggregates; MYASTHENIC SYNDROME, CONGENITAL, WITH TUBULAR AGGREGATES 1. Identifiers: Orphanet 353327, Orphanet 590, MedGen C3552335, MONDO:0012518, OMIM 610542.

Allele frequency attached by ClinVar (database versions not stated): ExAC 0.00001; gnomAD 0.00001 and 0.00002; gnomAD exomes 0.00002; TOPMed 0.00002.
gnomAD v4.1: 57 of 1,595,884 alleles (0.0036%); highest among the groups gnomAD compares: Non-Finnish European, 0.0046%; no homozygotes.

Submissions (3):

Labcorp Genetics (formerly Invitae), Labcorp
Classification: Likely benign for Congenital myasthenic syndrome 12. Last evaluated: 2025-12-13. Review status: criteria provided, single submitter. Criteria: Invitae Variant Classification Sherloc (09022015). Collection method: clinical testing. Allele origin: germline.

CeGaT Center for Human Genetics Tuebingen
Classification: Likely benign. Last evaluated: 2022-11-01. Review status: criteria provided, single submitter. Criteria: CeGaT Center For Human Genetics Tuebingen Variant Classification Criteria Version 2. Collection method: clinical testing. Allele origin: germline. Affected: yes. Observed: 1 variant allele.
Comment: GFPT1: BP4, BP7

PreventionGenetics, part of Exact Sciences
Classification: Likely benign for GFPT1-related condition. Last evaluated: 2019-12-07. Review status: no assertion criteria provided. Collection method: clinical testing. Allele origin: germline. Not counted in ClinVar's aggregate classification.
Comment: This variant is classified as likely benign based on ACMG/AMP sequence variant interpretation guidelines (Richards et al. 2015 PMID: 25741868, with internal and published modifications).

NM_001244710.2(GFPT1):c.45G>A (p.Thr15=)

Gene: GFPT1 (glutamine--fructose-6-phosphate transaminase 1; minus strand). Cytogenetic location: 2p13.3.
Variant type: single nucleotide variant.
Coding change: c.45G>A on transcript NM_001244710.2 (MANE Select); coding-DNA position 45, G replaced by A.
Protein change: p.Thr15=; no amino-acid change (threonine 15 retained).
Molecular consequence: synonymous variant.
Genome position (GRCh38, 1-based): chr2:69,374,076, C>T on the plus strand (G>A on the coding strand, the complement: GFPT1 is on the minus strand). VCF-style: chr2-69374076-C-T. GRCh37 (hg19) VCF-style: chr2-69601208-C-T.
Other names: c.45G>A, p.Thr15= (NM_002056.4); c.45G>A (NM_001244710.1).
Identifiers: ClinVar variation 1619132 (VCV001619132.31), dbSNP rs763874345, ClinGen allele CA1693994.
Genomic context (GRCh38, chr2:69,374,076, plus strand): 5'-ATATCCTCTGTACTCCAGTCTCTGAAGGCCTTTGATTAGGGTCTCCAGGATTTCTCGTCT[C>T]GTTCGAGGAACATGGTAGTTTAAGTAAGCAAATATACCTGCAAATAAACAAATATTTAAT-3'
Protein context (NP_001231639.1, residues 5-25): FAYLNYHVPR[Thr15=]RREILETLIK